The following is an entry in ClinVar:

ClinVar aggregate classification (germline): Uncertain significance (1 of 4 stars; one submission).

Allele frequency attached by ClinVar (database versions not stated): gnomAD exomes 0.00001.
gnomAD v4.1: 7 of 1,613,942 alleles (0.00043%); highest among the groups gnomAD compares: Non-Finnish European, 0.00059%; no homozygotes.

Submission:

Labcorp Genetics (formerly Invitae), Labcorp
Classification: Uncertain significance. Last evaluated: 2022-02-21. Review status: criteria provided, single submitter. Criteria: Invitae Variant Classification Sherloc (09022015). Collection method: clinical testing. Allele origin: germline.
Comment: In summary, the available evidence is currently insufficient to determine the role of this variant in disease. Therefore, it has been classified as a Variant of Uncertain Significance. Algorithms developed to predict the effect of sequence changes on RNA splicing suggest that this variant may create or strengthen a splice site. Algorithms developed to predict the effect of missense changes on protein structure and function are either unavailable or do not agree on the potential impact of this missense change (SIFT: "Tolerated"; PolyPhen-2: "Probably Damaging"; Align-GVGD: "Class C0"). This variant has not been reported in the literature in individuals affected with WDR62-related conditions. This variant is not present in population databases (gnomAD no frequency). This sequence change replaces lysine, which is basic and polar, with glutamic acid, which is acidic and polar, at codon 838 of the WDR62 protein (p.Lys838Glu).

NM_001083961.2(WDR62):c.2512A>G (p.Lys838Glu)

Gene: WDR62 (WD repeat domain 62; plus strand). Cytogenetic location: 19q13.12.
Variant type: single nucleotide variant.
Coding change: c.2512A>G on transcript NM_001083961.2 (MANE Select); coding-DNA position 2512, A replaced by G.
Protein change: p.Lys838Glu; replaces lysine 838 with glutamic acid.
Molecular consequence: missense variant.
Genome position (GRCh38, 1-based): chr19:36,097,071, A>G. VCF-style: chr19-36097071-A-G. GRCh37 (hg19) VCF-style: chr19-36587973-A-G.
Other names: c.2497A>G, p.Lys833Glu (NM_001411145.1); c.2512A>G, p.Lys838Glu (NM_001411146.1, NM_173636.5); c.2161A>G, p.Lys721Glu (NM_001411147.1); short protein forms K721E, K833E, K838E.
Identifiers: ClinVar variation 2094161 (VCV002094161.4), dbSNP rs1180482856, ClinGen allele CA405446768.